The following is an entry in ClinVar:

ClinVar aggregate classification (germline): Conflicting classifications of pathogenicity. Review status: criteria provided, conflicting classifications (1 of 4 stars). 10 submissions from 10 submitters: Uncertain significance (3); Benign (1); Likely benign (2). 4 of the submissions do not count toward it. Last evaluated 2025-12-12.

Conditions:
Hereditary cancer-predisposing syndrome. Also called: Neoplastic Syndromes, Hereditary; Tumor predisposition; Hereditary Cancer Syndrome; Hereditary neoplastic syndrome. Identifiers: Orphanet 140162, MedGen C0027672, MeSH D009386, MONDO:0015356.
Hereditary breast ovarian cancer syndrome. Also called: Hereditary breast and ovarian cancer; Breast and ovarian cancer; Hereditary breast and/or ovarian cancer syndrome; Hereditary breast and ovarian cancer syndrome (HBOC); Hereditary breast and ovarian cancer syndrome; BRCA1- and BRCA2-Associated Hereditary Breast and Ovarian Cancer. Identifiers: Orphanet 145, MedGen C0677776, MeSH D061325, MONDO:0003582. Disease mechanism: loss of function.
Breast-ovarian cancer, familial, susceptibility to, 1 (BROVCA1). Also called: OVARIAN CANCER, SUSCEPTIBILITY TO; BRCA1 Hereditary Breast and Ovarian Cancer. Identifiers: Orphanet 145, MedGen C2676676, MONDO:0011450, OMIM 604370. Disease mechanism: loss of function.

Submissions (10):

Ambry Genetics
Classification: Uncertain significance for Hereditary cancer-predisposing syndrome. Last evaluated: 2025-12-12. Review status: criteria provided, single submitter. Criteria: Ambry Variant Classification Scheme 2023. Collection method: clinical testing. Allele origin: germline.
Comment: The p.E638K variant (also known as c.1912G>A), located in coding exon 9 of the BRCA1 gene, results from a G to A substitution at nucleotide position 1912. The glutamic acid at codon 638 is replaced by lysine, an amino acid with similar properties. In one study, this alteration was detected in one family from a cohort of 1045 Italian patients who met BRCA1/2 testing criteria (Zuntini R et al. Front Genet, 2018 Sep;9:378). This amino acid position is well conserved in available vertebrate species. In addition, the in silico prediction for this alteration is inconclusive. Since supporting evidence is limited at this time, the clinical significance of this alteration remains unclear.

CeGaT Center for Human Genetics Tuebingen
Classification: Uncertain significance. Last evaluated: 2025-08-01. Review status: criteria provided, single submitter. Criteria: CeGaT Center For Human Genetics Tuebingen Variant Classification Criteria Version 2. Collection method: clinical testing. Allele origin: germline. Affected: yes. Observed: 1 variant allele.
Comment: BRCA1: PM2, BP1, BS3:Supporting

Labcorp Genetics (formerly Invitae), Labcorp
Classification: Uncertain significance for Hereditary breast ovarian cancer syndrome. Last evaluated: 2025-07-30. Review status: criteria provided, single submitter. Criteria: Invitae Variant Classification Sherloc (09022015). Collection method: clinical testing. Allele origin: germline.
Comment: This sequence change replaces glutamic acid, which is acidic and polar, with lysine, which is basic and polar, at codon 638 of the BRCA1 protein (p.Glu638Lys). This variant is not present in population databases (gnomAD no frequency). This missense change has been observed in individual(s) with a personal and/or family history of breast and/or ovarian cancer (PMID: 30254663). ClinVar contains an entry for this variant (Variation ID: 37433). Invitae Evidence Modeling of protein sequence and biophysical properties (such as structural, functional, and spatial information, amino acid conservation, physicochemical variation, residue mobility, and thermodynamic stability) indicates that this missense variant is not expected to disrupt BRCA1 protein function with a negative predictive value of 80%. In summary, the available evidence is currently insufficient to determine the role of this variant in disease. Therefore, it has been classified as a Variant of Uncertain Significance.

University of Washington Department of Laboratory Medicine, University of Washington
Classification: Likely benign for Hereditary cancer-predisposing syndrome. Last evaluated: 2023-03-23. Review status: criteria provided, single submitter. Criteria: Dines et al. (Genet Med. 2020). Collection method: curation. Allele origin: germline.
Comment: Missense variant in a coldspot region where missense variants are very unlikely to be pathogenic (PMID:31911673).

BRCA1 coldspot (exon 11 using historical exon numbering). Reclassification based on statistical prior probability

Mendelics
Classification: Benign. Last evaluated: 2022-05-04. Review status: criteria provided, single submitter. Criteria: Mendelics Assertion Criteria 2019. Collection method: clinical testing. Allele origin: germline.

Color Diagnostics, LLC DBA Color Health
Classification: Likely benign for Hereditary cancer-predisposing syndrome. Last evaluated: 2016-04-18. Review status: criteria provided, single submitter. Criteria: ACMG Guidelines, 2015. Collection method: clinical testing. Allele origin: germline.

Department of Medical and Surgical Sciences, University of Bologna
Classification: Benign for Breast-ovarian cancer, familial, susceptibility to, 1. Last evaluated: 2023-09-01. Review status: no assertion criteria provided. Collection method: clinical testing. Allele origin: germline. Affected: yes. Not counted in ClinVar's aggregate classification.
Comment: PM2(Supporting)+BS3(Strong)+BP1(Strong) according to ACMG/AMP classification guidelines specified for BRCA1 & BRCA2 (Classification Criteria V1.0.0 2023-09-08) (PMID: 38160042)

Pathway Genomics
Classification: Uncertain significance for Breast-ovarian cancer, familial 1. Last evaluated: 2014-07-24. Review status: no assertion criteria provided. Collection method: clinical testing. Allele origin: germline. Not counted in ClinVar's aggregate classification.

Breast Cancer Information Core (BIC) (BRCA1)
Classification: Uncertain significance for Breast-ovarian cancer, familial 1. Last evaluated: 2013-05-21. Review status: no assertion criteria provided. Collection method: clinical testing. Allele origin: germline. Affected: yes. Observed: 2 variant alleles. Not counted in ClinVar's aggregate classification.

Sharing Clinical Reports Project (SCRP)
Classification: Uncertain significance for Breast-ovarian cancer, familial 1. Last evaluated: 2010-12-22. Review status: no assertion criteria provided. Collection method: clinical testing. Allele origin: germline. Not counted in ClinVar's aggregate classification.

Literature cited by the submitters: PubMed 16267036 (cited by Ambry Genetics); PubMed 23704879 (cited by Ambry Genetics); PubMed 30254663 (cited by Ambry Genetics and Labcorp Genetics (formerly Invitae), Labcorp).

NM_007294.4(BRCA1):c.1912G>A (p.Glu638Lys)

Gene: BRCA1 (BRCA1 DNA repair associated; minus strand). Cytogenetic location: 17q21.31.
Variant type: single nucleotide variant.
Coding change: c.1912G>A on transcript NM_007294.4 (MANE Select); coding-DNA position 1912, G replaced by A.
Protein change: p.Glu638Lys; replaces glutamic acid 638 with lysine.
Molecular consequence: missense variant. On other transcripts: intron variant (137).
Genome position (GRCh38, 1-based): chr17:43,093,619, C>T on the plus strand (G>A on the coding strand, the complement: BRCA1 is on the minus strand). VCF-style: chr17-43093619-C-T. GRCh37 (hg19) VCF-style: chr17-41245636-C-T.
Other names: 2031G>A; c.664+1125G>A (NM_001408439.1, NM_001408425.1, NM_001408440.1 and 12 more transcripts); c.670+2227G>A (NM_001408419.1, NM_001408422.1, NM_001408418.1 and 2 more transcripts); c.787+1125G>A (NM_001408403.1, NM_001407983.1, NM_001407975.1 and 19 more transcripts); c.790+1122G>A (NM_001408406.1); c.646+1125G>A (NM_001408456.1, NM_001408410.1, NM_001408458.1 and 11 more transcripts); c.643+1125G>A (NM_001408465.1, NM_001408463.1, NM_001408462.1 and 3 more transcripts); c.577+1125G>A (NM_001408482.1, NM_001408484.1, NM_001408478.1 and 9 more transcripts); and 41 more; short protein forms E638K, E591K, E470K, E511K, E596K, E611K, E635K, E526K.
Identifiers: ClinVar variation 37433 (VCV000037433.28), dbSNP rs80357005, ClinGen allele CA001255.